The following is an entry in ClinVar:

NM_152443.3(RDH12):c.95G>C (p.Arg32Thr)

Genes: RDH12 (retinol dehydrogenase 12; plus strand), GPHN (gephyrin; plus strand). Cytogenetic location: 14q24.1.
Variant type: single nucleotide variant.
Coding change: c.95G>C on transcript NM_152443.3 (MANE Select); coding-DNA position 95, G replaced by C.
Protein change: p.Arg32Thr; replaces arginine 32 with threonine.
Molecular consequence: missense variant.
Genome position (GRCh38, 1-based): chr14:67,724,499, G>C. VCF-style: chr14-67724499-G-C. GRCh37 (hg19) VCF-style: chr14-68191216-G-C.
Other names: short protein forms R32T.
Identifiers: ClinVar variation 4762204 (VCV004762204.1).
Genomic context (GRCh38, chr14:67,724,499, plus strand): 5'-TGGTACGTGATGCTCTTGTTTCCCTTGCCGATAGGAAGTTCTTTGCTGGTGGAGTGTGTA[G>C]AACAAATGTGCAGCTTCCTGGCAAGGTAGTGGTGATCACTGGCGCCAACACGGGCATTGG-3'
Protein context (NP_689656.2, residues 22-42): IRKFFAGGVC[Arg32Thr]TNVQLPGKVV

ClinVar aggregate classification (germline): Uncertain significance (1 of 4 stars; one submission).

Conditions:
Leber congenital amaurosis 13 (LCA13). Identifiers: MedGen C2675186, MONDO:0012990, OMIM 612712.

Submission:

Labcorp Genetics (formerly Invitae), Labcorp
Classification: Uncertain significance for Leber congenital amaurosis 13. Last evaluated: 2025-10-27. Review status: criteria provided, single submitter. Criteria: Invitae Variant Classification Sherloc (09022015). Collection method: clinical testing. Allele origin: germline.
Comment: This sequence change replaces arginine, which is basic and polar, with threonine, which is neutral and polar, at codon 32 of the RDH12 protein (p.Arg32Thr). This variant is not present in population databases (gnomAD no frequency). This variant has not been reported in the literature in individuals affected with RDH12-related conditions. An algorithm developed to predict the effect of missense changes on protein structure and function outputs the following: PolyPhen-2: "Benign". The threonine amino acid residue is found in multiple mammalian species, which suggests that this missense change does not adversely affect protein function. In summary, the available evidence is currently insufficient to determine the role of this variant in disease. Therefore, it has been classified as a Variant of Uncertain Significance.